The following is an entry in ClinVar:

NM_001994.3(F13B):c.299_300insAAC (p.Tyr100Ter)

Gene: F13B (coagulation factor XIII B chain; minus strand). Cytogenetic location: 1q31.3.
Variant type: Insertion.
Coding change: c.299_300insAAC on transcript NM_001994.3 (MANE Select); coding-DNA positions 299 to 300, AAC inserted.
Protein change: p.Tyr100Ter; replaces tyrosine 100 with a stop codon.
Molecular consequence: nonsense.
Genome position: GRCh38 VCF-style: chr1-197061935-G-GGTT. GRCh37 (hg19) VCF-style: chr1-197031065-G-GGTT.
Other names: F13B, 3-BP INS, AAC; p.Tyr100*; short protein forms Y100*.
Identifiers: ClinVar variation 627055 (VCV000627055.4), dbSNP rs779048554, ClinGen allele CA1308605.

ClinVar aggregate classification (germline): Pathogenic. Review status: criteria provided, multiple submitters, no conflicts (2 of 4 stars). 3 submissions from 3 submitters: Pathogenic (2). 1 of the submissions does not count toward it. Last evaluated 2023-10-26.

Conditions:
Factor XIII, b subunit, deficiency of. Also called: Factor XIII subunit B deficiency. Identifiers: Orphanet 331, MedGen C2750481, MONDO:0013190, OMIM 613235, HP:0040234.
Coagulation factor deficiency syndrome. Identifiers: MedGen C0272315.

Allele frequency attached by ClinVar (database versions not stated): gnomAD exomes below 0.00001 and 0.00001; TOPMed below 0.00001; gnomAD 0.00001; ExAC 0.00002.

Submissions (3):

Mayo Clinic Laboratories, Mayo Clinic
Classification: Pathogenic. Last evaluated: 2023-10-26. Review status: criteria provided, single submitter. Criteria: ACMG Guidelines, 2015. Collection method: clinical testing. Allele origin: germline. Observed: 1 variant allele.
Comment: PP1_strong, PM2_moderate, PM3, PS3, PS4_moderate, PVS1

NIHR Bioresource Rare Diseases, University of Cambridge
Classification: Pathogenic for Coagulation factor deficiency syndrome. Last evaluated: 2019-02-01. Review status: criteria provided, single submitter. Criteria: ACMG Guidelines, 2015. Collection method: research. Allele origin: unknown. Affected: yes. Observed: 1 homozygote. Study: ThromboGenomics.

OMIM
Classification: Pathogenic for FACTOR XIII, B SUBUNIT, DEFICIENCY OF. Last evaluated: 1996-04-01. Review status: no assertion criteria provided. Collection method: literature only. Allele origin: germline. Not counted in ClinVar's aggregate classification.

Literature cited by the submitters: PubMed 2891592 (cited by Mayo Clinic Laboratories, Mayo Clinic); PubMed 31064749 (cited by Mayo Clinic Laboratories, Mayo Clinic and NIHR Bioresource Rare Diseases, University of Cambridge); PubMed 8639893 (cited by Mayo Clinic Laboratories, Mayo Clinic and OMIM); PubMed 9716138 (cited by Mayo Clinic Laboratories, Mayo Clinic).